The following is an entry in ClinVar:

NM_001376.5(DYNC1H1):c.5283C>G (p.Asn1761Lys)

Gene: DYNC1H1 (dynein cytoplasmic 1 heavy chain 1; plus strand). Cytogenetic location: 14q32.31.
Variant type: single nucleotide variant.
Coding change: c.5283C>G on transcript NM_001376.5 (MANE Select); coding-DNA position 5283, C replaced by G.
Protein change: p.Asn1761Lys; replaces asparagine 1761 with lysine.
Molecular consequence: missense variant.
Genome position (GRCh38, 1-based): chr14:102,005,086, C>G. VCF-style: chr14-102005086-C-G. GRCh37 (hg19) VCF-style: chr14-102471423-C-G.
Other names: short protein forms N1761K.
Identifiers: ClinVar variation 3506014 (VCV003506014.2).
Genomic context (GRCh38, chr14:102,005,086, plus strand): 5'-TTTCTGTGTCTTTCAGGCCCAGCTTGTGGTTTTGTCAGCCCAGATAGCCTGGTCTGAGAA[C>G]GTGGAGACCGCACTGAGCAGCATGGGCGGAGGTGGAGATGCCGCGCCCTTGCACTCTGTG-3'
Protein context (NP_001367.2, residues 1751-1771): VLSAQIAWSE[Asn1761Lys]VETALSSMGG

ClinVar aggregate classification (germline): Uncertain significance. Review status: criteria provided, multiple submitters, no conflicts (2 of 4 stars). 2 submissions from 2 submitters: Uncertain significance (2). Last evaluated 2025-03-05.

Conditions:
Charcot-Marie-Tooth disease axonal type 2O. Also called: CHARCOT-MARIE-TOOTH NEUROPATHY, AXONAL, TYPE 2O; CHARCOT-MARIE-TOOTH DISEASE, AXONAL, AUTOSOMAL DOMINANT, TYPE 2O; Charcot-Marie-Tooth Neuropathy Type 2O; Charcot-Marie-Tooth disease, axonal, type 20. Identifiers: Orphanet 284232, MedGen C3280220, MONDO:0013644, OMIM 614228.
Inborn genetic diseases. Identifiers: MedGen C0950123, MeSH D030342.

gnomAD v4.1: 1 of 1,614,072 alleles (0.000062%); highest among the groups gnomAD compares: Admixed American, 0.0017%; no homozygotes.

Submissions (2):

Labcorp Genetics (formerly Invitae), Labcorp
Classification: Uncertain significance for Charcot-Marie-Tooth disease axonal type 2O. Last evaluated: 2025-03-05. Review status: criteria provided, single submitter. Criteria: Invitae Variant Classification Sherloc (09022015). Collection method: clinical testing. Allele origin: germline.
Comment: This sequence change replaces asparagine, which is neutral and polar, with lysine, which is basic and polar, at codon 1761 of the DYNC1H1 protein (p.Asn1761Lys). This variant is not present in population databases (gnomAD no frequency). This variant has not been reported in the literature in individuals affected with DYNC1H1-related conditions. ClinVar contains an entry for this variant (Variation ID: 3506014). Invitae Evidence Modeling of protein sequence and biophysical properties (such as structural, functional, and spatial information, amino acid conservation, physicochemical variation, residue mobility, and thermodynamic stability) indicates that this missense variant is not expected to disrupt DYNC1H1 protein function with a negative predictive value of 95%. In summary, the available evidence is currently insufficient to determine the role of this variant in disease. Therefore, it has been classified as a Variant of Uncertain Significance.

Ambry Genetics
Classification: Uncertain significance for Inborn genetic diseases. Last evaluated: 2024-07-30. Review status: criteria provided, single submitter. Criteria: Ambry Variant Classification Scheme 2023. Collection method: clinical testing. Allele origin: germline.